The following is an entry in ClinVar:

ClinVar aggregate classification (germline): Uncertain significance (1 of 4 stars; one submission).

Conditions:
WBP11-related disorder. Also called: WBP11-related condition.

Submission:

PreventionGenetics, part of Exact Sciences
Classification: Uncertain significance for WBP11-related condition. Last evaluated: 2025-01-21. Review status: criteria provided, single submitter. Criteria: ACMG Guidelines, 2015. Collection method: clinical testing. Allele origin: germline.
Comment: The WBP11 c.1529C>T variant is predicted to result in the amino acid substitution p.Pro510Leu. To our knowledge, this variant has not been reported in the literature or in a large population database (gnomAD), indicating this variant is rare. At this time, the clinical significance of this variant is uncertain due to the absence of conclusive functional and genetic evidence.

NM_016312.3(WBP11):c.1529C>T (p.Pro510Leu)

Gene: WBP11 (WW domain binding protein 11; minus strand). Cytogenetic location: 12p12.3.
Variant type: single nucleotide variant.
Coding change: c.1529C>T on transcript NM_016312.3 (MANE Select); coding-DNA position 1529, C replaced by T.
Protein change: p.Pro510Leu; replaces proline 510 with leucine.
Molecular consequence: missense variant.
Genome position (GRCh38, 1-based): chr12:14,787,462, G>A on the plus strand (C>T on the coding strand, the complement: WBP11 is on the minus strand). VCF-style: chr12-14787462-G-A. GRCh37 (hg19) VCF-style: chr12-14940396-G-A.
Other names: short protein forms P510L.
Identifiers: ClinVar variation 4983063 (VCV004983063.1).